The following is an entry in ClinVar:

NM_017415.3(KLHL3):c.756G>A (p.Thr252=)

Gene: KLHL3 (kelch like family member 3; minus strand). Cytogenetic location: 5q31.2.
Variant type: single nucleotide variant.
Coding change: c.756G>A on transcript NM_017415.3 (MANE Select); coding-DNA position 756, G replaced by A.
Protein change: p.Thr252=; no amino-acid change (threonine 252 retained).
Molecular consequence: synonymous variant.
Genome position (GRCh38, 1-based): chr5:137,658,278, C>T on the plus strand (G>A on the coding strand, the complement: KLHL3 is on the minus strand). VCF-style: chr5-137658278-C-T. GRCh37 (hg19) VCF-style: chr5-136993967-C-T.
Other names: c.660G>A, p.Thr220= (NM_001257194.1); c.510G>A, p.Thr170= (NM_001257195.2).
Identifiers: ClinVar variation 350993 (VCV000350993.8), dbSNP rs143617205, ClinGen allele CA3422390.

ClinVar aggregate classification (germline): Conflicting classifications of pathogenicity. Review status: criteria provided, conflicting classifications (1 of 4 stars). 2 submissions from 2 submitters: Uncertain significance (1); Benign (1). Last evaluated 2024-12-12.

Conditions:
Pseudohypoaldosteronism type 2D (PHA2D). Also called: FAMILIAL HYPERKALEMIC HYPERTENSION; PSEUDOHYPOALDOSTERONISM, TYPE IID, AUTOSOMAL DOMINANT OR RECESSIVE; Pseudohypoaldosteronism Type IID. Identifiers: Orphanet 300525, Orphanet 757, MedGen C3469605, MONDO:0013781, OMIM 614495.

Allele frequency attached by ClinVar (database versions not stated): ExAC 0.00021; TOPMed 0.00028; ESP Exome Variant Server 0.00031; gnomAD 0.00031 and 0.00032.
gnomAD v4.1: 435 of 1,613,788 alleles (0.027%); highest among the groups gnomAD compares: Non-Finnish European, 0.035%; no homozygotes.

Submissions (2):

Labcorp Genetics (formerly Invitae), Labcorp
Classification: Uncertain significance. Last evaluated: 2024-12-12. Review status: criteria provided, single submitter. Criteria: Invitae Variant Classification Sherloc (09022015). Collection method: clinical testing. Allele origin: germline.
Comment: This sequence change affects codon 252 of the KLHL3 mRNA. It is a 'silent' change, meaning that it does not change the encoded amino acid sequence of the KLHL3 protein. This variant is present in population databases (rs143617205, gnomAD 0.03%). This variant has not been reported in the literature in individuals affected with KLHL3-related conditions. ClinVar contains an entry for this variant (Variation ID: 350993). Algorithms developed to predict the effect of sequence changes on RNA splicing suggest that this variant may create or strengthen a splice site. In summary, the available evidence is currently insufficient to determine the role of this variant in disease. Therefore, it has been classified as a Variant of Uncertain Significance.

Illumina Laboratory Services, Illumina
Classification: Benign for Pseudohypoaldosteronism type 2D. Last evaluated: 2018-01-13. Review status: criteria provided, single submitter. Criteria: ICSL Variant Classification Criteria 13 December 2019. Collection method: clinical testing. Allele origin: germline.
Comment: This variant was observed in the ICSL laboratory as part of a predisposition screen in an ostensibly healthy population. It had not been previously curated by ICSL or reported in the Human Gene Mutation Database (HGMD: prior to June 1st, 2018), and was therefore a candidate for classification through an automated scoring system. Utilizing variant allele frequency, disease prevalence and penetrance estimates, and inheritance mode, an automated score was calculated to assess if this variant is too frequent to cause the disease. Based on the score and internal cut-off values, a variant classified as benign is not then subjected to further curation. The score for this variant resulted in a classification of benign for this disease.